The following is an entry in ClinVar:

ClinVar aggregate classification (germline): Likely pathogenic (1 of 4 stars; one submission).

Conditions:
Brachyolmia-amelogenesis imperfecta syndrome. Also called: Tooth agenesis, selective, 6; Dental anomalies and short stature; PLATYSPONDYLY WITH AMELOGENESIS IMPERFECTA. Identifiers: Orphanet 2899, MedGen C1832594, MONDO:0011018, OMIM 601216. Disease mechanism: loss of function.

Submission:

Labcorp Genetics (formerly Invitae), Labcorp
Classification: Likely pathogenic for Brachyolmia-amelogenesis imperfecta syndrome. Last evaluated: 2022-06-20. Review status: criteria provided, single submitter. Criteria: Invitae Variant Classification Sherloc (09022015). Collection method: clinical testing. Allele origin: germline.
Comment: In summary, the currently available evidence indicates that the variant is pathogenic, but additional data are needed to prove that conclusively. Therefore, this variant has been classified as Likely Pathogenic. Algorithms developed to predict the effect of sequence changes on RNA splicing suggest that this variant may disrupt the consensus splice site. This variant has not been reported in the literature in individuals affected with LTBP3-related conditions. This variant is not present in population databases (gnomAD no frequency). This sequence change affects a donor splice site in intron 5 of the LTBP3 gene. It is expected to disrupt RNA splicing. Variants that disrupt the donor or acceptor splice site typically lead to a loss of protein function (PMID: 16199547), and loss-of-function variants in LTBP3 are known to be pathogenic (PMID: 11790802, 19344874, 25669657).

Literature cited by the submitters: PubMed 16199547; PubMed 11790802; PubMed 19344874; PubMed 25669657.

NM_001130144.3(LTBP3):c.1063+1G>A

Gene: LTBP3 (latent transforming growth factor beta binding protein 3; minus strand). Cytogenetic location: 11q13.1.
Variant type: single nucleotide variant.
Coding change: c.1063+1G>A on transcript NM_001130144.3 (MANE Select); the canonical splice donor site of the intron after coding-DNA position 1063, G replaced by A.
Molecular consequence: splice donor variant.
Genome position (GRCh38, 1-based): chr11:65,553,163, C>T on the plus strand (G>A on the coding strand, the complement: LTBP3 is on the minus strand). VCF-style: chr11-65553163-C-T. GRCh37 (hg19) VCF-style: chr11-65320634-C-T.
Other names: c.712+1G>A (NM_001164266.1); c.1063+1G>A (NM_021070.4).
Identifiers: ClinVar variation 1470100 (VCV001470100.11), dbSNP rs766900840, ClinGen allele CA381274676.